The following is an entry in ClinVar:

NM_012254.3(SLC27A5):c.770C>T (p.Pro257Leu)

Gene: SLC27A5 (solute carrier family 27 member 5; minus strand). Cytogenetic location: 19q13.43.
Variant type: single nucleotide variant.
Coding change: c.770C>T on transcript NM_012254.3 (MANE Select); coding-DNA position 770, C replaced by T.
Protein change: p.Pro257Leu; replaces proline 257 with leucine.
Molecular consequence: missense variant.
Genome position (GRCh38, 1-based): chr19:58,510,849, G>A on the plus strand (C>T on the coding strand, the complement: SLC27A5 is on the minus strand). VCF-style: chr19-58510849-G-A. GRCh37 (hg19) VCF-style: chr19-59022216-G-A.
Other names: c.518C>T, p.Pro173Leu (NM_001321196.2); short protein forms P173L, P257L.
Identifiers: ClinVar variation 3722492 (VCV003722492.2).
Genomic context (GRCh38, chr19:58,510,849, plus strand): 5'-GGCACTGGGTGGGAGGGCGCTGCATCCAGGGCAGCCCCCAGAGCCCCCACCCCTGGTGTA[G>A]GGGAGGTATGGCTGAGGTAGAAGCAGCGGATGTTCTCAGCCTGCAGCTTGGGAAGGATCT-3'
Protein context (NP_036386.1, residues 247-267): IRCFYLSHTS[Pro257Leu]TPGVGALGAA

ClinVar aggregate classification (germline): Uncertain significance (1 of 4 stars; one submission).

Submission:

Labcorp Genetics (formerly Invitae), Labcorp
Classification: Uncertain significance. Last evaluated: 2024-11-03. Review status: criteria provided, single submitter. Criteria: Invitae Variant Classification Sherloc (09022015). Collection method: clinical testing. Allele origin: germline.
Comment: This sequence change replaces proline, which is neutral and non-polar, with leucine, which is neutral and non-polar, at codon 257 of the SLC27A5 protein (p.Pro257Leu). This variant is not present in population databases (gnomAD no frequency). This variant has not been reported in the literature in individuals affected with SLC27A5-related conditions. An algorithm developed to predict the effect of missense changes on protein structure and function (PolyPhen-2) suggests that this variant is likely to be disruptive. In summary, the available evidence is currently insufficient to determine the role of this variant in disease. Therefore, it has been classified as a Variant of Uncertain Significance.